The following is an entry in ClinVar:

NM_000124.4(ERCC6):c.203G>C (p.Arg68Thr)

Gene: ERCC6 (ERCC excision repair 6, chromatin remodeling factor; minus strand). Cytogenetic location: 10q11.23.
Variant type: single nucleotide variant.
Coding change: c.203G>C on transcript NM_000124.4 (MANE Select); coding-DNA position 203, G replaced by C.
Protein change: p.Arg68Thr; replaces arginine 68 with threonine.
Molecular consequence: missense variant.
Genome position (GRCh38, 1-based): chr10:49,532,762, C>G on the plus strand (G>C on the coding strand, the complement: ERCC6 is on the minus strand). VCF-style: chr10-49532762-C-G. GRCh37 (hg19) VCF-style: chr10-50740808-C-G.
Other names: c.203G>C, p.Arg68Thr (NM_001277058.2, NM_001277059.2, NM_001346440.2); short protein forms R68T.
Identifiers: ClinVar variation 2428167 (VCV002428167.2), dbSNP rs1340348389, ClinGen allele CA376713318.
Genomic context (GRCh38, chr10:49,532,762, plus strand): 5'-TGGGCGCTAGGCTCTACTGCCTGGATCTGATGTCGGTCGATGTGCAGCAGGGCTGGCCCT[C>G]TCCTCGGAGCTGCTGATGCGCACCCCACAGCAGAGGTGGACAGCCCGTCACCCACAGAAC-3'
Protein context (NP_000115.1, residues 58-78): AVGCASAAPR[Arg68Thr]GPALLHIDRH

ClinVar aggregate classification (germline): Uncertain significance (1 of 4 stars; one submission).

Allele frequency attached by ClinVar (database versions not stated): gnomAD 0.00001; TOPMed 0.00001.
gnomAD v4.1: 2 of 1,614,134 alleles (0.00012%); highest among the groups gnomAD compares: Non-Finnish European, 0.00017%; no homozygotes.

Submission:

Labcorp Genetics (formerly Invitae), Labcorp
Classification: Uncertain significance. Last evaluated: 2022-07-01. Review status: criteria provided, single submitter. Criteria: Invitae Variant Classification Sherloc (09022015). Collection method: clinical testing. Allele origin: germline.
Comment: This sequence change replaces arginine, which is basic and polar, with threonine, which is neutral and polar, at codon 68 of the ERCC6 protein (p.Arg68Thr). This variant is not present in population databases (gnomAD no frequency). This variant has not been reported in the literature in individuals affected with ERCC6-related conditions. Algorithms developed to predict the effect of missense changes on protein structure and function are either unavailable or do not agree on the potential impact of this missense change (SIFT: "Deleterious"; PolyPhen-2: "Benign"; Align-GVGD: "Class C65"). In summary, the available evidence is currently insufficient to determine the role of this variant in disease. Therefore, it has been classified as a Variant of Uncertain Significance.